The following is an entry in ClinVar:

NM_001387430.1(SH2B1):c.2238C>G (p.Pro746=)

Gene: SH2B1 (SH2B adaptor protein 1; plus strand). Cytogenetic location: 16p11.2.
Variant type: single nucleotide variant.
Coding change: c.2238C>G on transcript NM_001387430.1 (MANE Select); coding-DNA position 2238, C replaced by G.
Protein change: p.Pro746=; no amino-acid change (proline 746 retained).
Molecular consequence: synonymous variant. On other transcripts: 3 prime UTR variant (5).
Genome position (GRCh38, 1-based): chr16:28,873,787, C>G. VCF-style: chr16-28873787-C-G. GRCh37 (hg19) VCF-style: chr16-28885108-C-G.
Other names: c.2238C>G, p.Pro746= (NM_001145795.2, NM_001308293.2, NM_001387404.1); c.*322C>G (NM_001145796.2, NM_001145812.2, NM_001308294.2 and 1 more transcripts); c.*339C>G (NM_001145797.2).
Identifiers: ClinVar variation 724928 (VCV000724928.13), dbSNP rs148378470, ClinGen allele CA7986451.

ClinVar aggregate classification (germline): Benign/Likely benign. Review status: criteria provided, multiple submitters, no conflicts (2 of 4 stars). 3 submissions from 3 submitters: Benign (2); Likely benign (1). Last evaluated 2026-02-01.

Allele frequency attached by ClinVar (database versions not stated): 1000 Genomes Project 30x 0.00156; 1000 Genomes Project 0.00180; gnomAD exomes 0.00542.
gnomAD v4.1: 3,459 of 1,464,704 alleles (0.24%); highest among the groups gnomAD compares: East Asian, 1.5%; 57 homozygotes.

Submissions (3):

Labcorp Genetics (formerly Invitae), Labcorp
Classification: Benign. Last evaluated: 2026-02-01. Review status: criteria provided, single submitter. Criteria: Invitae Variant Classification Sherloc (09022015). Collection method: clinical testing. Allele origin: germline.

CeGaT Center for Human Genetics Tuebingen
Classification: Likely benign. Last evaluated: 2026-01-01. Review status: criteria provided, single submitter. Criteria: CeGaT Center For Human Genetics Tuebingen Variant Classification Criteria Version 2. Collection method: clinical testing. Allele origin: germline. Affected: yes. Observed: 1 variant allele.
Comment: SH2B1: BP4, BS1

Breakthrough Genomics
Classification: Benign. Review status: criteria provided, single submitter. Criteria: ACMG Guidelines, 2015. Collection method: not provided. Allele origin: germline. Inheritance: Unknown mechanism. Affected: yes.